The following is an entry in ClinVar:

NM_017777.4(MKS1):c.*87T>C

Gene: MKS1 (MKS transition zone complex subunit 1; minus strand). Cytogenetic location: 17q22.
Variant type: single nucleotide variant.
Coding change: c.*87T>C on transcript NM_017777.4 (MANE Select); 87 bases downstream of the stop codon, T replaced by C.
Molecular consequence: 3 prime UTR variant. On other transcripts: stop lost (1).
Genome position (GRCh38, 1-based): chr17:58,205,992, A>G on the plus strand (T>C on the coding strand, the complement: MKS1 is on the minus strand). VCF-style: chr17-58205992-A-G. GRCh37 (hg19) VCF-style: chr17-56283353-A-G.
Other names: c.*87T>C (NM_001321268.2); c.1684T>C, p.Ter562Gln (NM_001321269.2); c.*179T>C (NM_001330397.2).
Identifiers: ClinVar variation 4983337 (VCV004983337.1).

ClinVar aggregate classification (germline): Uncertain significance (1 of 4 stars; one submission).

Conditions:
MKS1-related disorder. Also called: MKS1-related disorders; MKS1-related condition. Identifiers: MedGen CN239382.

gnomAD v4.1: 13 of 1,544,582 alleles (0.00084%); highest among the groups gnomAD compares: African/African-American, 0.0014%; no homozygotes.

Submission:

PreventionGenetics, part of Exact Sciences
Classification: Uncertain significance for MKS1-related condition. Last evaluated: 2026-08-20. Review status: criteria provided, single submitter. Criteria: ACMG Guidelines, 2015. Collection method: clinical testing. Allele origin: germline.
Comment: The MKS1 c.1684T>C variant is predicted to result in extension of the open reading frame (p.*562Glnext*59). Of note, this variant can also be referred to as c.*87T>C (Post-Coding) in the more commonly reported isoform, NM_017777. To our knowledge, this variant has not been reported in the literature or in a large population database (gnomAD), indicating this variant is rare. At this time, the clinical significance of this variant is uncertain due to the absence of conclusive functional and genetic evidence.